The following is an entry in ClinVar:

NM_001100913.3(PACS2):c.19C>T (p.Leu7Phe)

Genes: BRF1 (BRF1 general transcription factor IIIB subunit; minus strand), PACS2 (phosphofurin acidic cluster sorting protein 2; plus strand). Cytogenetic location: 14q32.33.
Variant type: single nucleotide variant.
Coding change: c.19C>T on transcript NM_001100913.3 (MANE Select); coding-DNA position 19, C replaced by T.
Protein change: p.Leu7Phe; replaces leucine 7 with phenylalanine.
Molecular consequence: missense variant. On other transcripts: intron variant (4).
Genome position (GRCh38, 1-based): chr14:105,314,937, C>T. VCF-style: chr14-105314937-C-T. GRCh37 (hg19) VCF-style: chr14-105781274-C-T.
Other names: c.19C>T, p.Leu7Phe (NM_015197.4); c.-162+385G>A (NM_001440451.1, NM_001242787.2, NM_001242786.2); c.-83+13958C>T (NM_001243127.3); short protein forms L7F.
Identifiers: ClinVar variation 3675443 (VCV003675443.2).
Genomic context (GRCh38, chr14:105,314,937, plus strand): 5'-GCCGCAGCCCCAGGCCGCCGAGGGAGCGGCGGGGCCGGCGCCATGGCCGAGCGAGGCCGC[C>T]TCGGCCTCCCCGGCGCGCCCGGCGCGCTCAACACGCCCGTGCCCATGAACCTGTTCGCCA-3'
Protein context (NP_001094383.2, residues 1-17): MAERGR[Leu7Phe]GLPGAPGALN

ClinVar aggregate classification (germline): Uncertain significance (1 of 4 stars; one submission).

Submission:

Labcorp Genetics (formerly Invitae), Labcorp
Classification: Uncertain significance. Last evaluated: 2024-10-23. Review status: criteria provided, single submitter. Criteria: Invitae Variant Classification Sherloc (09022015). Collection method: clinical testing. Allele origin: germline.
Comment: This sequence change replaces leucine, which is neutral and non-polar, with phenylalanine, which is neutral and non-polar, at codon 7 of the PACS2 protein (p.Leu7Phe). This variant is present in population databases (no rsID available, gnomAD 0.01%). This variant has not been reported in the literature in individuals affected with PACS2-related conditions. An algorithm developed to predict the effect of missense changes on protein structure and function (PolyPhen-2) suggests that this variant is likely to be disruptive. In summary, the available evidence is currently insufficient to determine the role of this variant in disease. Therefore, it has been classified as a Variant of Uncertain Significance.